The following is an entry in ClinVar:

ClinVar aggregate classification (germline): Pathogenic (1 of 4 stars; one submission).

Conditions:
Renal carnitine transport defect (CDSP). Also called: Carnitine transporter deficiency; Carnitine Deficiency, Systemic; Systemic primary carnitine deficiency disease; CARNITINE DEFICIENCY, SYSTEMIC, DUE TO DEFECT IN RENAL REABSORPTION OF CARNITINE; CARNITINE TRANSPORTER, PLASMA-MEMBRANE, DEFICIENCY OF; CARNITINE UPTAKE DEFECT. Identifiers: Orphanet 158, MedGen C0342788, MONDO:0008919, OMIM 212140.

Submission:

Labcorp Genetics (formerly Invitae), Labcorp
Classification: Pathogenic for Renal carnitine transport defect. Last evaluated: 2024-09-19. Review status: criteria provided, single submitter. Criteria: Invitae Variant Classification Sherloc (09022015). Collection method: clinical testing. Allele origin: germline.
Comment: This sequence change replaces proline, which is neutral and non-polar, with leucine, which is neutral and non-polar, at codon 31 of the SLC22A5 protein (p.Pro31Leu). This variant is not present in population databases (gnomAD no frequency). This missense change has been observed in individual(s) with primary carnitine deficiency (PMID: 30863740). In at least one individual the data is consistent with being in trans (on the opposite chromosome) from a pathogenic variant. It has also been observed to segregate with disease in related individuals. ClinVar contains an entry for this variant (Variation ID: 1458534). Invitae Evidence Modeling of protein sequence and biophysical properties (such as structural, functional, and spatial information, amino acid conservation, physicochemical variation, residue mobility, and thermodynamic stability) indicates that this missense variant is expected to disrupt SLC22A5 protein function with a positive predictive value of 95%. For these reasons, this variant has been classified as Pathogenic.

Literature cited by the submitters: PubMed 30863740.

NM_003060.4(SLC22A5):c.92C>T (p.Pro31Leu)

Gene: SLC22A5 (solute carrier family 22 member 5; plus strand). Cytogenetic location: 5q31.1.
Variant type: single nucleotide variant.
Coding change: c.92C>T on transcript NM_003060.4 (MANE Select); coding-DNA position 92, C replaced by T.
Protein change: p.Pro31Leu; replaces proline 31 with leucine.
Molecular consequence: missense variant.
Genome position (GRCh38, 1-based): chr5:132,370,064, C>T. VCF-style: chr5-132370064-C-T. GRCh37 (hg19) VCF-style: chr5-131705756-C-T.
Other names: c.92C>T, p.Pro31Leu (NM_001308122.2); short protein forms P31L.
Identifiers: ClinVar variation 1458534 (VCV001458534.6), dbSNP rs2126764868, ClinGen allele CA360802369.